The following is an entry in ClinVar:

NM_153676.4(USH1C):c.194T>C (p.Leu65Pro)

Gene: USH1C (USH1 protein network component harmonin; minus strand). Cytogenetic location: 11p15.1.
Variant type: single nucleotide variant.
Coding change: c.194T>C on transcript NM_153676.4 (MANE Select); coding-DNA position 194, T replaced by C.
Protein change: p.Leu65Pro; replaces leucine 65 with proline.
Molecular consequence: missense variant. On other transcripts: non-coding transcript variant (1).
Genome position (GRCh38, 1-based): chr11:17,531,453, A>G on the plus strand (T>C on the coding strand, the complement: USH1C is on the minus strand). VCF-style: chr11-17531453-A-G. GRCh37 (hg19) VCF-style: chr11-17553000-A-G.
Other names: c.194T>C, p.Leu65Pro (NM_001297764.2, NM_005709.4); short protein forms L65P.
Identifiers: ClinVar variation 1698969 (VCV001698969.3), dbSNP rs1186965957, ClinGen allele CA379798133.

ClinVar aggregate classification (germline): Uncertain significance (1 of 4 stars; one submission).

Conditions:
Usher syndrome type 1C. Also called: USHER SYNDROME, TYPE I, ACADIAN VARIETY. Identifiers: Orphanet 231169, Orphanet 886, MedGen C1848604, MONDO:0010171, OMIM 276904.

Allele frequency attached by ClinVar (database versions not stated): gnomAD 0.00001; gnomAD exomes 0.00001 and 0.00004; TOPMed 0.00001.

Submission:

Victorian Clinical Genetics Services, Murdoch Childrens Research Institute
Classification: Uncertain significance for Usher syndrome type 1C. Last evaluated: 2020-10-19. Review status: criteria provided, single submitter. Criteria: ACMG Guidelines, 2015. Collection method: clinical testing. Allele origin: germline. Inheritance: Autosomal recessive inheritance.
Comment: Based on the classification scheme VCGS_Germline_v1.1.1, this variant is classified as VUS-3A. Following criteria are met: 0102 - Loss-of-function is a known mechanism of disease for this gene. (N) 0106 - This gene is known to be associated with autosomal recessive disease. (N) 0200 - Variant is predicted to result in a missense amino acid change from leucine to proline. (N) 0252 - Variant is homozygous. (N) 0304 - Variant is present in gnomAD <0.01 for a recessive condition (3 Het, 0 Hom). (P) 0502 - Missense variant with conflicting in silico predictions and/or uninformative conservation. (N) 0600 - Variant is located in an annotated domain or motif. (N-terminal domain; PMID: 19297620) (N) 0705 - No comparable variants have previous evidence for pathogenicity. (N) 0807 - Variant has not previously been reported in a clinical context. (N) 0905 - No segregation evidence has been identified for this variant. (N) 1007 - No published functional evidence has been identified for this variant. (N) Legend: (P) - Pathogenic, (N) - Neutral, (B) - Benign

Literature cited by the submitters: PubMed 19297620.